The following is an entry in ClinVar:

NM_022455.5(NSD1):c.4455dup (p.Val1486fs)

Gene: NSD1 (nuclear receptor binding SET domain protein 1; plus strand). Cytogenetic location: 5q35.3.
Variant type: Duplication.
Coding change: c.4455dup on transcript NM_022455.5 (MANE Select); coding-DNA position 4455, one base duplicated (A; older notation c.4455dupA).
Protein change: p.Val1486fs; shifts the reading frame from valine 1486.
Molecular consequence: frameshift variant.
Genome position (GRCh38, 1-based): chr5:177,246,754, A duplicated; the last of 6 consecutive A bases (chr5:177,246,749-177,246,754); duplicating any one gives the same sequence. VCF-style (leftmost placement, unchanged base first): chr5-177246748-T-TA. GRCh37 (hg19) VCF-style: chr5-176673749-T-TA.
Other names: c.3582dup, p.Val1195fs (NM_001365684.2, NM_001409306.1, NM_001409307.1 and 3 more transcripts); c.4455dup, p.Val1486fs (NM_001409301.1, NM_001409302.1, NM_001409303.1); c.4035dup, p.Val1346fs (NM_001409304.1); c.3702dup, p.Val1235fs (NM_001409305.1); short protein forms V1195fs, V1486fs, V1235fs, V1346fs.
Identifiers: ClinVar variation 3653638 (VCV003653638.2).

ClinVar aggregate classification (germline): Pathogenic (1 of 4 stars; one submission).

Submission:

Labcorp Genetics (formerly Invitae), Labcorp
Classification: Pathogenic. Last evaluated: 2024-05-16. Review status: criteria provided, single submitter. Criteria: Invitae Variant Classification Sherloc (09022015). Collection method: clinical testing. Allele origin: germline.
Comment: This sequence change creates a premature translational stop signal (p.Val1486Serfs*4) in the NSD1 gene. It is expected to result in an absent or disrupted protein product. Loss-of-function variants in NSD1 are known to be pathogenic (PMID: 12464997, 14571271, 15942875, 16247291). This variant is not present in population databases (gnomAD no frequency). This variant has not been reported in the literature in individuals affected with NSD1-related conditions. For these reasons, this variant has been classified as Pathogenic.

Literature cited by the submitters: PubMed 12464997; PubMed 14571271; PubMed 15942875; PubMed 16247291.